The following is an entry in ClinVar:

ClinVar aggregate classification (germline): Uncertain significance. Review status: criteria provided, multiple submitters, no conflicts (2 of 4 stars). 2 submissions from 2 submitters: Uncertain significance (2). Last evaluated 2024-03-29.

Conditions:
Hennekam lymphangiectasia-lymphedema syndrome 2 (HKLLS2). Identifiers: Orphanet 2136, MedGen C4014939, MONDO:0014454, OMIM 616006.

Allele frequency attached by ClinVar (database versions not stated): ExAC 0.00001; gnomAD 0.00001; gnomAD exomes 0.00001; TOPMed 0.00005.
gnomAD v4.1: 10 of 1,614,002 alleles (0.00062%); highest among the groups gnomAD compares: African/African-American, 0.0093%; no homozygotes.

Submissions (2):

Clinical Genomics Laboratory, Washington University in St. Louis
Classification: Uncertain significance for Hennekam lymphangiectasia-lymphedema syndrome 2. Last evaluated: 2024-03-29. Review status: criteria provided, single submitter. Criteria: ACMG Guidelines, 2015. Collection method: clinical testing. Allele origin: germline.
Comment: The FAT4 c.10483A>G (p.Ser3495Gly) variant was identified at a near heterozygous allele fraction of 49%, a frequency which may be consistent with it being of germline origin. This variant, to our knowledge, has not been reported in the medical literature. Computational predictors suggest that this variant does not impact FAT4 function. The FAT4 c.10483A>G (p.Ser3495Gly) variant has been reported in the ClinVar database as a variant of uncertain significance by one submitter (ClinVar ID: 2419888). This variant is only observed on 10/1,614,002 alleles in the general population (gnomAD v4.0.0), indicating it is not a common variant. Due to limited information, and based on ACMG/AMP guidelines for variant interpretation (Richards S et al., PMID: 25741868), the clinical significance of the FAT4 c.10483A>G (p.Ser3495Gly) variant is uncertain at this time.

Labcorp Genetics (formerly Invitae), Labcorp
Classification: Uncertain significance. Last evaluated: 2022-08-06. Review status: criteria provided, single submitter. Criteria: Invitae Variant Classification Sherloc (09022015). Collection method: clinical testing. Allele origin: germline.
Comment: Advanced modeling of protein sequence and biophysical properties (such as structural, functional, and spatial information, amino acid conservation, physicochemical variation, residue mobility, and thermodynamic stability) performed at Invitae indicates that this missense variant is not expected to disrupt FAT4 protein function. This variant has not been reported in the literature in individuals affected with FAT4-related conditions. This variant is present in population databases (rs767617118, gnomAD 0.007%). This sequence change replaces serine, which is neutral and polar, with glycine, which is neutral and non-polar, at codon 3493 of the FAT4 protein (p.Ser3493Gly). In summary, the available evidence is currently insufficient to determine the role of this variant in disease. Therefore, it has been classified as a Variant of Uncertain Significance.

NM_001291303.3(FAT4):c.10483A>G (p.Ser3495Gly)

Gene: FAT4 (FAT atypical cadherin 4; plus strand). Cytogenetic location: 4q28.1.
Variant type: single nucleotide variant.
Coding change: c.10483A>G on transcript NM_001291303.3 (MANE Select); coding-DNA position 10483, A replaced by G.
Protein change: p.Ser3495Gly; replaces serine 3495 with glycine.
Molecular consequence: missense variant.
Genome position (GRCh38, 1-based): chr4:125,451,493, A>G. VCF-style: chr4-125451493-A-G. GRCh37 (hg19) VCF-style: chr4-126372648-A-G.
Other names: c.10483A>G, p.Ser3495Gly (NM_001291285.3); c.10477A>G, p.Ser3493Gly (NM_024582.6); short protein forms S3493G, S3495G.
Identifiers: ClinVar variation 2419888 (VCV002419888.7), dbSNP rs767617118, ClinGen allele CA3073693.